The following is an entry in ClinVar:

ClinVar aggregate classification (germline): Uncertain significance (1 of 4 stars; one submission).

Conditions:
Werner syndrome (WRN). Identifiers: Orphanet 902, MedGen C0043119, MONDO:0010196, OMIM 277700.

Allele frequency attached by ClinVar (database versions not stated): gnomAD exomes below 0.00001; TOPMed below 0.00001.
gnomAD v4.1: 1 of 1,614,122 alleles (0.000062%); highest among the groups gnomAD compares: Non-Finnish European, 0.000085%; no homozygotes.

Submission:

Labcorp Genetics (formerly Invitae), Labcorp
Classification: Uncertain significance for Werner syndrome. Last evaluated: 2023-02-13. Review status: criteria provided, single submitter. Criteria: Invitae Variant Classification Sherloc (09022015). Collection method: clinical testing. Allele origin: germline.
Comment: This sequence change replaces phenylalanine, which is neutral and non-polar, with valine, which is neutral and non-polar, at codon 684 of the WRN protein (p.Phe684Val). This variant is not present in population databases (gnomAD no frequency). This variant has not been reported in the literature in individuals affected with WRN-related conditions. ClinVar contains an entry for this variant (Variation ID: 1036782). An algorithm developed to predict the effect of missense changes on protein structure and function (PolyPhen-2) suggests that this variant is likely to be disruptive. In summary, the available evidence is currently insufficient to determine the role of this variant in disease. Therefore, it has been classified as a Variant of Uncertain Significance.

NM_000553.6(WRN):c.2050T>G (p.Phe684Val)

Gene: WRN (WRN RecQ like helicase; plus strand). Cytogenetic location: 8p12.
Variant type: single nucleotide variant.
Coding change: c.2050T>G on transcript NM_000553.6 (MANE Select); coding-DNA position 2050, T replaced by G.
Protein change: p.Phe684Val; replaces phenylalanine 684 with valine.
Molecular consequence: missense variant.
Genome position (GRCh38, 1-based): chr8:31,100,917, T>G. VCF-style: chr8-31100917-T-G. GRCh37 (hg19) VCF-style: chr8-30958433-T-G.
Other names: short protein forms F684V.
Identifiers: ClinVar variation 1036782 (VCV001036782.5), dbSNP rs1012302654, ClinGen allele CA174868178.